The following is an entry in ClinVar:

NM_203486.3(DLL3):c.1758+74del

Gene: DLL3 (delta like canonical Notch ligand 3; plus strand). Cytogenetic location: 19q13.2.
Variant type: Deletion.
Coding change: c.1758+74del on transcript NM_203486.3 (MANE Select); 74 bases into the intron after coding-DNA position 1758, one base deleted (C; older notation c.1758+74delC).
Molecular consequence: intron variant. On other transcripts: frameshift variant (1).
Genome position (GRCh38, 1-based): chr19:39,507,988, C deleted; the last of 3 consecutive C bases (chr19:39,507,986-39,507,988); deleting any one gives the same sequence. VCF-style (leftmost placement, unchanged base first): chr19-39507985-AC-A. GRCh37 (hg19) VCF-style: chr19-39998625-AC-A.
Other names: c.1832del, p.Pro611fs (NM_016941.4); short protein forms P611fs.
Identifiers: ClinVar variation 2071189 (VCV002071189.2), dbSNP rs765903171, ClinGen allele CA9432544.

ClinVar aggregate classification (germline): Uncertain significance (1 of 4 stars; one submission).

Submission:

Labcorp Genetics (formerly Invitae), Labcorp
Classification: Uncertain significance. Last evaluated: 2025-04-21. Review status: criteria provided, single submitter. Criteria: Invitae Variant Classification Sherloc (09022015). Collection method: clinical testing. Allele origin: germline.
Comment: This sequence change creates a premature translational stop signal (p.Pro611Leufs*7) in the DLL3 gene. While this is not anticipated to result in nonsense mediated decay, it is expected to disrupt the last 8 amino acid(s) of the DLL3 protein. This variant is present in population databases (rs765903171, gnomAD 0.002%). This variant has not been reported in the literature in individuals affected with DLL3-related conditions. ClinVar contains an entry for this variant (Variation ID: 2071189). Experimental studies and prediction algorithms are not available or were not evaluated, and the functional significance of this variant is currently unknown. In summary, the available evidence is currently insufficient to determine the role of this variant in disease. Therefore, it has been classified as a Variant of Uncertain Significance.